The following is an entry in ClinVar:

ClinVar aggregate classification (germline): Uncertain significance (1 of 4 stars; one submission).

Conditions:
Emery-Dreifuss muscular dystrophy (EDMD). Also called: Scapuloperoneal syndrome, X-linked (formerly); Humeroperoneal neuromuscular disease, (formerly). Identifiers: Orphanet 261, MedGen C0410189, MONDO:0016830.

Submission:

Labcorp Genetics (formerly Invitae), Labcorp
Classification: Uncertain significance for Emery-Dreifuss muscular dystrophy. Last evaluated: 2023-07-06. Review status: criteria provided, single submitter. Criteria: Invitae Variant Classification Sherloc (09022015). Collection method: clinical testing. Allele origin: germline.
Comment: This sequence change falls in intron 11 of the SUN2 gene. It does not directly change the encoded amino acid sequence of the SUN2 protein. It affects a nucleotide within the consensus splice site. This variant is not present in population databases (gnomAD no frequency). This variant has not been reported in the literature in individuals affected with SUN2-related conditions. Variants that disrupt the consensus splice site are a relatively common cause of aberrant splicing (PMID: 17576681, 9536098). Algorithms developed to predict the effect of sequence changes on RNA splicing suggest that this variant may disrupt the consensus splice site. In summary, the available evidence is currently insufficient to determine the role of this variant in disease. Therefore, it has been classified as a Variant of Uncertain Significance.

Literature cited by the submitters: PubMed 17576681; PubMed 9536098.

NM_015374.3(SUN2):c.1190+4C>A

Genes: GTPBP1 (GTP binding protein 1; plus strand), SUN2 (Sad1 and UNC84 domain containing 2; minus strand). Cytogenetic location: 22q13.1.
Variant type: single nucleotide variant.
Coding change: c.1190+4C>A on transcript NM_015374.3 (MANE Select); 4 bases into the intron after coding-DNA position 1190, C replaced by A.
Molecular consequence: intron variant.
Genome position (GRCh38, 1-based): chr22:38,741,003, G>T on the plus strand (C>A on the coding strand, the complement: SUN2 is on the minus strand). VCF-style: chr22-38741003-G-T. GRCh37 (hg19) VCF-style: chr22-39137008-G-T.
Other names: c.698+4C>A (NM_001394443.1); c.1100+4C>A (NM_001394438.1); c.1052+4C>A (NM_001394439.1, NM_001394441.1, NM_001394440.1); c.615-571C>A (NM_001394444.1, NM_001394445.1); c.814-593C>A (NM_001394442.1); c.1190+4C>A (NM_001394437.1, NM_001394434.1, NM_001394435.1 and 5 more transcripts); c.1283+4C>A (NM_001394427.1); c.1253+4C>A (NM_001199579.2, NM_001394428.1); and 1 more.
Identifiers: ClinVar variation 2795152 (VCV002795152.3), dbSNP rs1378634382, ClinGen allele CA753062460.